The following is an entry in ClinVar:

NM_003640.5(ELP1):c.984T>A (p.Tyr328Ter)

Gene: ELP1 (elongator acetyltransferase complex subunit 1; minus strand). Cytogenetic location: 9q31.3.
Variant type: single nucleotide variant.
Coding change: c.984T>A on transcript NM_003640.5 (MANE Select); coding-DNA position 984, T replaced by A.
Protein change: p.Tyr328Ter; replaces tyrosine 328 with a stop codon.
Molecular consequence: nonsense. On other transcripts: 5 prime UTR variant (1).
Genome position (GRCh38, 1-based): chr9:108,912,469, A>T on the plus strand (T>A on the coding strand, the complement: ELP1 is on the minus strand). VCF-style: chr9-108912469-A-T. GRCh37 (hg19) VCF-style: chr9-111674749-A-T.
Other names: c.642T>A, p.Tyr214Ter (NM_001318360.2); c.-64T>A (NM_001330749.2); short protein forms Y214*, Y328*.
Identifiers: ClinVar variation 1724173 (VCV001724173.2), dbSNP rs2537926785, ClinGen allele CA374429666.
Genomic context (GRCh38, chr9:108,912,469, plus strand): 5'-AGACACAATCTTGCTCTTCCCACAGGTGCTGAAGGATAAACTTTGCTTGAGATACCAGTG[A>T]TAGTTTCCAACAGTCCAGAGCTGAACTGCAAGGGAAAATGAAAAGAAGGCCGTTAGAGGC-3'

ClinVar aggregate classification (germline): Likely pathogenic (1 of 4 stars; one submission).

Conditions:
Familial dysautonomia. Also called: HSAN III; FD. Identifiers: Orphanet 1764, MedGen C0013364, MONDO:0009131, OMIM 223900. Disease mechanism: loss of function.

Allele frequency attached by ClinVar (database versions not stated): gnomAD exomes below 0.00001.
gnomAD v4.1: 1 of 1,613,958 alleles (0.000062%); highest among the groups gnomAD compares: Non-Finnish European, 0.000085%; no homozygotes.

Submission:

Myriad Genetics, Inc.
Classification: Likely pathogenic for Familial dysautonomia. Last evaluated: 2022-01-28. Review status: criteria provided, single submitter. Criteria: Myriad Women's Health Autosomal Recessive and X-Linked Classification Criteria (2021). Collection method: clinical testing. Allele origin: unknown.
Comment: NM_003640.3(ELP1):c.984T>A(Y328*) is expected to be pathogenic in the context of familial dysautonomia. This variant is predicted to lead to an abnormal or absent protein product due to the creation of a premature termination codon in ELP1, a gene where loss-of-function variants are known to be pathogenic. Please note: this variant was assessed in the context of healthy population screening.